The following is an entry in ClinVar:

NM_001709.5(BDNF):c.643G>A (p.Val215Met)

Genes: BDNF (brain derived neurotrophic factor; minus strand), BDNF-AS (BDNF antisense RNA; plus strand). Cytogenetic location: 11p14.1.
Variant type: single nucleotide variant.
Coding change: c.643G>A on transcript NM_001709.5 (MANE Select); coding-DNA position 643, G replaced by A.
Protein change: p.Val215Met; replaces valine 215 with methionine.
Molecular consequence: missense variant.
Genome position (GRCh38, 1-based): chr11:27,657,922, C>T on the plus strand (G>A on the coding strand, the complement: BDNF is on the minus strand). VCF-style: chr11-27657922-C-T. GRCh37 (hg19) VCF-style: chr11-27679469-C-T.
Other names: c.643G>A, p.Val215Met (NM_001143805.1, NM_001143806.1, NM_001143807.2 and 9 more transcripts); c.730G>A, p.Val244Met (NM_001143809.2); c.889G>A, p.Val297Met (NM_001143810.2); c.667G>A, p.Val223Met (NM_170731.5); c.688G>A, p.Val230Met (NM_170734.4); c.889G>A (NM_001143810.1); short protein forms V215M, V223M, V230M, V244M, V297M.
Identifiers: ClinVar variation 1298509 (VCV001298509.36), dbSNP rs2133780377, ClinGen allele CA380073600.

ClinVar aggregate classification (germline): Uncertain significance. Review status: criteria provided, multiple submitters, no conflicts (2 of 4 stars). 2 submissions from 2 submitters: Uncertain significance (2). Last evaluated 2026-09-01.

Conditions:
BDNF-related disorder. Also called: BDNF-related condition.

Submissions (2):

PreventionGenetics, part of Exact Sciences
Classification: Uncertain significance for BDNF-related condition. Last evaluated: 2026-09-01. Review status: criteria provided, single submitter. Criteria: ACMG Guidelines, 2015. Collection method: clinical testing. Allele origin: germline.
Comment: The BDNF c.889G>A variant is predicted to result in the amino acid substitution p.Val297Met. To our knowledge, this variant has not been reported in the literature or in a large population database (gnomAD), indicating this variant is rare. At this time, the clinical significance of this variant is uncertain due to the absence of conclusive functional and genetic evidence.

CeGaT Center for Human Genetics Tuebingen
Classification: Uncertain significance. Last evaluated: 2022-10-01. Review status: criteria provided, single submitter. Criteria: CeGaT Center For Human Genetics Tuebingen Variant Classification Criteria Version 2. Collection method: clinical testing. Allele origin: germline. Affected: yes. Observed: 2 variant alleles.
Comment: BDNF: PM2, PP3